The following is an entry in ClinVar:

NM_016038.4(SBDS):c.542A>G (p.Asn181Ser)

Gene: SBDS (SBDS ribosome maturation factor; minus strand). Cytogenetic location: 7q11.21.
Variant type: single nucleotide variant.
Coding change: c.542A>G on transcript NM_016038.4 (MANE Select); coding-DNA position 542, A replaced by G.
Protein change: p.Asn181Ser; replaces asparagine 181 with serine.
Molecular consequence: missense variant.
Genome position (GRCh38, 1-based): chr7:66,991,219, T>C on the plus strand (A>G on the coding strand, the complement: SBDS is on the minus strand). VCF-style: chr7-66991219-T-C. GRCh37 (hg19) VCF-style: chr7-66456206-T-C.
Other names: short protein forms N181S.
Identifiers: ClinVar variation 3437543 (VCV003437543.1).

ClinVar aggregate classification (germline): Uncertain significance (1 of 4 stars; one submission).

Conditions:
Inborn genetic diseases. Identifiers: MedGen C0950123, MeSH D030342.

gnomAD v4.1: 7 of 1,613,998 alleles (0.00043%); highest among the groups gnomAD compares: African/African-American, 0.004%; no homozygotes.

Submission:

Ambry Genetics
Classification: Uncertain significance for Inborn genetic diseases. Last evaluated: 2024-12-08. Review status: criteria provided, single submitter. Criteria: Ambry Variant Classification Scheme 2023. Collection method: clinical testing. Allele origin: germline.
Comment: The p.N181S variant (also known as c.542A>G), located in coding exon 4 of the SBDS gene, results from an A to G substitution at nucleotide position 542. The asparagine at codon 181 is replaced by serine, an amino acid with highly similar properties. This amino acid position is conserved. In addition, this alteration is predicted to be tolerated by in silico analysis. Based on the available evidence, the clinical significance of this variant remains unclear.